The following is an entry in ClinVar:

NM_000208.4(INSR):c.3052G>T (p.Val1018Leu)

Gene: INSR (insulin receptor; minus strand). Cytogenetic location: 19p13.2.
Variant type: single nucleotide variant.
Coding change: c.3052G>T on transcript NM_000208.4 (MANE Select); coding-DNA position 3052, G replaced by T.
Protein change: p.Val1018Leu; replaces valine 1018 with leucine.
Molecular consequence: missense variant.
Genome position (GRCh38, 1-based): chr19:7,125,489, C>A on the plus strand (G>T on the coding strand, the complement: INSR is on the minus strand). VCF-style: chr19-7125489-C-A. GRCh37 (hg19) VCF-style: chr19-7125500-C-A.
Other names: c.3016G>T, p.Val1006Leu (NM_001079817.3); short protein forms V1006L, V1018L.
Identifiers: ClinVar variation 1699524 (VCV001699524.2), dbSNP rs2144814502, ClinGen allele CA403671402.

ClinVar aggregate classification (germline): Uncertain significance (1 of 4 stars; one submission).

Submission:

GeneDx
Classification: Uncertain significance. Last evaluated: 2022-08-01. Review status: criteria provided, single submitter. Criteria: GeneDx Variant Classification Process June 2021. Collection method: clinical testing. Allele origin: germline. Affected: yes.
Comment: Not observed at significant frequency in large population cohorts (gnomAD); In silico analysis supports that this missense variant has a deleterious effect on protein structure/function; Has not been previously published as pathogenic or benign to our knowledge